The following is an entry in ClinVar:

ClinVar aggregate classification (germline): Pathogenic/Likely pathogenic. Review status: criteria provided, multiple submitters, no conflicts (2 of 4 stars). 10 submissions from 10 submitters: Pathogenic (6); Likely pathogenic (3). 1 of the submissions does not count toward it. Last evaluated 2026-01-28.

Conditions:
CERKL-related disorders.
Retinal dystrophy. Also called: Inherited retinal dystrophy. Identifiers: Orphanet 71862, MedGen C0854723, MeSH D058499, MONDO:0019118, HP:0000556.
Retinitis pigmentosa (RP). Identifiers: Orphanet 791, MedGen C0035334, MeSH D012174, MONDO:0019200, OMIM 268000. Inheritance: Autosomal dominant, autosomal recessive and X linked inheritance.
Retinitis pigmentosa 26 (RP26). Identifiers: Orphanet 791, MedGen C1842127, MONDO:0012024, OMIM 608380.

Allele frequency attached by ClinVar (database versions not stated): 1000 Genomes Project 0.00020; 1000 Genomes Project 30x 0.00031.
gnomAD v4.1: 58 of 1,612,490 alleles (0.0036%); highest among the groups gnomAD compares: South Asian, 0.062%; no homozygotes.

Submissions (10):

Natera, Inc.
Classification: Pathogenic for Retinitis Pigmentosa 26. Last evaluated: 2026-01-28. Review status: criteria provided, single submitter. Criteria: Natera Variant Classification Schema (03/2026). Collection method: clinical testing. Allele origin: germline.
Comment: The c.316C>A variant in CERKL is a missense variant predicted to cause substitution of arginine to serine at amino acid 106. This variant is rare in the general population with a frequency below the threshold expected for the associated phenotype(s). This variant has been observed in one or more individuals affected with the associated recessive disease, as either homozygous or compound heterozygous with a second variant (PMID: 37331655, 32340307, 29068140, 18978954). A different variant at the same position has been determined to be Pathogenic or Likely Pathogenic. Computational prediction algorithms indicate this variant is likely to affect gene or protein function. Given the available evidence, this variant is classified as Pathogenic.

Labcorp Genetics (formerly Invitae), Labcorp
Classification: Pathogenic. Last evaluated: 2025-12-17. Review status: criteria provided, single submitter. Criteria: Invitae Variant Classification Sherloc (09022015). Collection method: clinical testing. Allele origin: germline.
Comment: This sequence change replaces arginine, which is basic and polar, with serine, which is neutral and polar, at codon 106 of the CERKL protein (p.Arg106Ser). This variant is present in population databases (rs569826109, gnomAD 0.04%). This missense change has been observed in individuals with clinical features of inherited retinal dystrophy (PMID: 18978954; internal data). It has also been observed to segregate with disease in related individuals. ClinVar contains an entry for this variant (Variation ID: 438054). Invitae Evidence Modeling of protein sequence and biophysical properties (such as structural, functional, and spatial information, amino acid conservation, physicochemical variation, residue mobility, and thermodynamic stability) indicates that this missense variant is expected to disrupt CERKL protein function with a positive predictive value of 95%. This variant disrupts the p.Arg106 amino acid residue in CERKL. Other variant(s) that disrupt this residue have been observed in individuals with CERKL-related conditions (PMID: 28838317), which suggests that this may be a clinically significant amino acid residue. For these reasons, this variant has been classified as Pathogenic.

Revvity Omics, Revvity
Classification: Pathogenic for Retinitis pigmentosa 26. Last evaluated: 2025-03-12. Review status: criteria provided, single submitter. Criteria: ACMG Guidelines, 2015. Collection method: clinical testing. Allele origin: germline.

GeneDx
Classification: Likely pathogenic. Last evaluated: 2024-11-14. Review status: criteria provided, single submitter. Criteria: GeneDx Variant Classification Process June 2021. Collection method: clinical testing. Allele origin: germline. Affected: yes.
Comment: In silico analysis supports that this missense variant has a deleterious effect on protein structure/function; This variant is associated with the following publications: (PMID: 18978954, 28041643, 24735978, 32411380, 19667359, 33322828, 34315337)

Fulgent Genetics
Classification: Likely pathogenic for Retinitis pigmentosa 26. Last evaluated: 2024-04-02. Review status: criteria provided, single submitter. Criteria: ACMG Guidelines, 2015. Collection method: clinical testing. Allele origin: germline.

Women's Health and Genetics/Laboratory Corporation of America, LabCorp
Classification: Pathogenic for Retinitis pigmentosa. Last evaluated: 2023-03-30. Review status: criteria provided, single submitter. Criteria: LabCorp Variant Classification Summary - May 2015. Collection method: clinical testing. Allele origin: germline.
Comment: Variant summary: CERKL c.316C>A (p.Arg106Ser) results in a non-conservative amino acid change in the encoded protein sequence. Four of five in-silico tools predict a damaging effect of the variant on protein function. The variant allele was found at a frequency of 5.2e-05 in 249812 control chromosomes, predominantly at a frequency of 0.00043 within the South Asian subpopulation in the gnomAD database. This frequency is not significantly higher than estimated for a pathogenic variant in CERKL causing Retinitis Pigmentosa (5.2e-05 vs 0.0013), allowing no conclusion about variant significance. c.316C>A has been reported in the literature as a biallelic genotype in multiple individuals affected with retinal dystrophies and was shown to segregate with disease in at least one family (e.g. Ali_2008, Downes_2020, Duzkale_2021). These data indicate that the variant is very likely to be associated with disease. Six submitters have provided clinical-significance assessments for this variant to ClinVar after 2014. Five classified the variant as pathogenic (n=2)/likely pathogenic (n=3) and one classified it as VUS. Based on the evidence outlined above, the variant was classified as pathogenic.

Victorian Clinical Genetics Services, Murdoch Childrens Research Institute
Classification: Pathogenic for Retinitis pigmentosa 26. Last evaluated: 2022-03-31. Review status: criteria provided, single submitter. Criteria: ACMG Guidelines, 2015. Collection method: clinical testing. Allele origin: germline. Inheritance: Autosomal recessive inheritance. Affected: yes.
Comment: Based on the classification scheme VCGS_Germline_v1.3.4, this variant is classified as Pathogenic. Following criteria are met: 0102 - Loss of function is a known mechanism of disease in this gene and is associated with retinitis pigmentosa 26 (MIM#608380). (I) 0106 - This gene is associated with autosomal recessive disease. (I) 0200 - Variant is predicted to result in a missense amino acid change from arginine to serine. (I) 0252 - This variant is homozygous. (I) 0304 - Variant is present in gnomAD (v2) <0.01 for a recessive condition (13 heterozygotes, 0 homozygotes). (SP) 0309 - An alternative amino acid change at the same position has been observed in gnomAD (v2) (highest allele: 16 heterozygotes, 0 homozygotes). (I) 0501 - Missense variant consistently predicted to be damaging by multiple in silico tools or highly conserved with a major amino acid change. (SP) 0601 - Variant is located in the well-established functional nuclear localization signal sequence (KLKRR) (PMID: 19501188). (SP) 0704 - Another missense variant comparable to the one identified in this case has limited previous evidence for pathogenicity. An alternative change to a cysteine has been reported in individuals with cone-rod dystrophy (ClinVar, PMID: 29068140). (SP) 0802 - This variant has moderate previous evidence of pathogenicity in unrelated individuals. This variant has been reported in multiple individuals with retinitis pigmentosa (ClinVar, PMID: 18978954, 34315337). (SP) 0901 - This variant has strong evidence for segregation with disease. This variant has been shown to segregate with disease in a large Parkistani family (PMID: 18978954). (SP) 1002 - This variant has limited functional evidence supporting abnormal protein function. CERKL has been proven to modulate the oxidation of TRX2, a mitochondria-specific regulator of redox balance and apoptosis. In vitro studies using GST pull-down assay has shown that this variant significantly reduced the binding of CERKL and TRX2 (PMID: 24735978). (I) Legend: (SP) - Supporting pathogenic, (I) - Information, (SB) - Supporting benign

Blueprint Genetics
Classification: Pathogenic for CERKL-related disorders. Last evaluated: 2021-11-22. Review status: criteria provided, single submitter. Criteria: ACMG Guidelines, 2015. Collection method: clinical testing. Allele origin: germline. Affected: yes. Observed: 5 variant alleles.

Ocular Genomics Institute, Massachusetts Eye and Ear
Classification: Likely pathogenic for Retinitis pigmentosa 26. Last evaluated: 2021-04-08. Review status: criteria provided, single submitter. Criteria: ACMG Guidelines, 2015. Collection method: research. Allele origin: germline. Affected: yes.
Comment: Through a review of available evidence we were able to apply the following criteria: PP1, PM3, PM2, PM5. Based on this evidence we have classified this variant as Likely Pathogenic.

NIHR Bioresource Rare Diseases, University of Cambridge
Classification: Likely pathogenic for Retinal dystrophy. Last evaluated: 2015-01-01. Review status: no assertion criteria provided. Collection method: research. Allele origin: unknown. Affected: yes. Observed: 1 variant allele. Not counted in ClinVar's aggregate classification.

Literature cited by the submitters: PubMed 37331655 (cited by Natera, Inc.); PubMed 32340307 (cited by Natera, Inc.); PubMed 29068140 (cited by Natera, Inc. and Victorian Clinical Genetics Services, Murdoch Childrens Research Institute); PubMed 18978954 (cited by 6 submitters); PubMed 28838317 (cited by Labcorp Genetics (formerly Invitae), Labcorp and Ocular Genomics Institute, Massachusetts Eye and Ear); PubMed 33322828 (cited by Women's Health and Genetics/Laboratory Corporation of America, LabCorp); PubMed 34315337 (cited by Women's Health and Genetics/Laboratory Corporation of America, LabCorp and Victorian Clinical Genetics Services, Murdoch Childrens Research Institute); PubMed 19501188 (cited by Victorian Clinical Genetics Services, Murdoch Childrens Research Institute); PubMed 24735978 (cited by Victorian Clinical Genetics Services, Murdoch Childrens Research Institute); PubMed 28041643 (cited by Ocular Genomics Institute, Massachusetts Eye and Ear and NIHR Bioresource Rare Diseases, University of Cambridge).

NM_201548.5(CERKL):c.316C>A (p.Arg106Ser)

Gene: CERKL (CERK like autophagy regulator; minus strand). Cytogenetic location: 2q31.3.
Variant type: single nucleotide variant.
Coding change: c.316C>A on transcript NM_201548.5 (MANE Select); coding-DNA position 316, C replaced by A.
Protein change: p.Arg106Ser; replaces arginine 106 with serine.
Molecular consequence: missense variant. On other transcripts: non-coding transcript variant (2).
Genome position (GRCh38, 1-based): chr2:181,604,002, G>T on the plus strand (C>A on the coding strand, the complement: CERKL is on the minus strand). VCF-style: chr2-181604002-G-T. GRCh37 (hg19) VCF-style: chr2-182468729-G-T.
Other names: c.316C>A, p.Arg106Ser (NM_001030311.3, NM_001030312.3, NM_001030313.3 and 1 more transcripts); c.316C>A (NM_201548.4); short protein forms R106S.
Identifiers: ClinVar variation 438054 (VCV000438054.25), dbSNP rs569826109, ClinGen allele CA2010866.